The following is an entry in ClinVar:

ClinVar aggregate classification (germline): Likely benign (1 of 4 stars; one submission).

Submission:

CeGaT Center for Human Genetics Tuebingen
Classification: Likely benign. Last evaluated: 2022-09-01. Review status: criteria provided, single submitter. Criteria: CeGaT Center For Human Genetics Tuebingen Variant Classification Criteria Version 2. Collection method: clinical testing. Allele origin: germline. Affected: yes. Observed: 1 variant allele.
Comment: CIC: PM2:Supporting, BP4, BP7

NM_001386298.1(CIC):c.3310C>A (p.Arg1104=)

Gene: CIC (capicua transcriptional repressor; plus strand). Cytogenetic location: 19q13.2.
Variant type: single nucleotide variant.
Coding change: c.3310C>A on transcript NM_001386298.1 (MANE Select); coding-DNA position 3310, C replaced by A.
Protein change: p.Arg1104=; no amino-acid change (arginine 1104 retained).
Molecular consequence: synonymous variant.
Genome position (GRCh38, 1-based): chr19:42,287,545, C>A. VCF-style: chr19-42287545-C-A. GRCh37 (hg19) VCF-style: chr19-42791697-C-A.
Other names: c.3310C>A, p.Arg1104= (NM_001304815.2, NM_001379480.1, NM_001379482.1 and 1 more transcripts); c.583C>A, p.Arg195= (NM_001379484.1, NM_001379485.1, NM_015125.5).
Identifiers: ClinVar variation 2649981 (VCV002649981.24), dbSNP rs2147194903, ClinGen allele CA507703313.